The following is an entry in ClinVar:

NM_000548.5(TSC2):c.1743C>T (p.Ser581=)

Gene: TSC2 (TSC complex subunit 2; plus strand). Cytogenetic location: 16p13.3.
Variant type: single nucleotide variant.
Coding change: c.1743C>T on transcript NM_000548.5 (MANE Select); coding-DNA position 1743, C replaced by T.
Protein change: p.Ser581=; no amino-acid change (serine 581 retained).
Molecular consequence: synonymous variant.
Genome position (GRCh38, 1-based): chr16:2,070,482, C>T. VCF-style: chr16-2070482-C-T. GRCh37 (hg19) VCF-style: chr16-2120483-C-T.
Other names: c.1743C>T, p.Ser581= (NM_001077183.3, NM_001114382.3, NM_001363528.2 and 3 more transcripts); c.1632C>T, p.Ser544= (NM_001318827.2); c.1596C>T, p.Ser532= (NM_001318829.2); c.1143C>T, p.Ser381= (NM_001318831.2); c.1776C>T, p.Ser592= (NM_001318832.2).
Identifiers: ClinVar variation 819986 (VCV000819986.16), dbSNP rs775195398, ClinGen allele CA492949705.
Genomic context (GRCh38, chr16:2,070,482, plus strand): 5'-CTGCGCCGTGGTGAGCTGCGTCCTCTCTCTGCAGACCAAGCTGTACACCCTGCCTGCAAG[C>T]CACGCCACGCGTGTGTATGAGATGCTGGTCAGCCACATTCAGCTCCACTACAAGCACAGC-3'
Protein context (NP_000539.2, residues 571-591): LQTKLYTLPA[Ser581=]HATRVYEMLV

ClinVar aggregate classification (germline): Benign/Likely benign. Review status: criteria provided, multiple submitters, no conflicts (2 of 4 stars). 4 submissions from 4 submitters: Benign (2); Likely benign (2). Last evaluated 2025-05-15.

Conditions:
Tuberous sclerosis 2 (TSC2). Identifiers: Orphanet 805, MedGen C1860707, MONDO:0013199, OMIM 613254.
Hereditary cancer-predisposing syndrome. Also called: Hereditary Cancer Syndrome; Neoplastic Syndromes, Hereditary; Hereditary neoplastic syndrome; Tumor predisposition. Identifiers: Orphanet 140162, MedGen C0027672, MeSH D009386, MONDO:0015356.

Submissions (4):

Myriad Genetics, Inc.
Classification: Benign for Tuberous sclerosis 2. Last evaluated: 2025-05-15. Review status: criteria provided, single submitter. Criteria: Myriad Autosomal Dominant, Autosomal Recessive and X-Linked Classification Criteria (2023). Collection method: clinical testing. Allele origin: unknown.
Comment: This variant is considered benign. This variant is a silent/synonymous amino acid change and it is not expected to impact splicing.

Labcorp Genetics (formerly Invitae), Labcorp
Classification: Likely benign for Tuberous sclerosis 2. Last evaluated: 2023-01-04. Review status: criteria provided, single submitter. Criteria: Invitae Variant Classification Sherloc (09022015). Collection method: clinical testing. Allele origin: germline.

Genome-Nilou Lab
Classification: Benign for Tuberous sclerosis 2. Last evaluated: 2021-11-07. Review status: criteria provided, single submitter. Criteria: ACMG Guidelines, 2015. Collection method: clinical testing. Allele origin: germline. Affected: no.

Ambry Genetics
Classification: Likely benign for Hereditary cancer-predisposing syndrome. Last evaluated: 2019-02-27. Review status: criteria provided, single submitter. Criteria: Ambry Variant Classification Scheme 2023. Collection method: clinical testing. Allele origin: germline.